The following is an entry in ClinVar:

NM_000536.4(RAG2):c.419A>G (p.His140Arg)

Gene: RAG2 (recombination activating 2; minus strand). Cytogenetic location: 11p12.
Variant type: single nucleotide variant.
Coding change: c.419A>G on transcript NM_000536.4 (MANE Select); coding-DNA position 419, A replaced by G.
Protein change: p.His140Arg; replaces histidine 140 with arginine.
Molecular consequence: missense variant.
Genome position (GRCh38, 1-based): chr11:36,593,750, T>C on the plus strand (A>G on the coding strand, the complement: RAG2 is on the minus strand). VCF-style: chr11-36593750-T-C. GRCh37 (hg19) VCF-style: chr11-36615300-T-C.
Other names: c.419A>G, p.His140Arg (NM_001243785.2, NM_001243786.2); short protein forms H140R.
Identifiers: ClinVar variation 843920 (VCV000843920.9), dbSNP rs1335036396, ClinGen allele CA380143161.

ClinVar aggregate classification (germline): Likely pathogenic. Review status: criteria provided, multiple submitters, no conflicts (2 of 4 stars). 3 submissions from 3 submitters: Likely pathogenic (2). 1 of the submissions does not count toward it. Last evaluated 2025-07-31.

Conditions:
Severe combined immunodeficiency disease. Also called: Severe combined immunodeficiency; Severe Combined Immune Deficiency. Identifiers: Orphanet 183660, MedGen C0085110, MeSH D016511, MONDO:0015974, HP:0004430. Inheritance: X-Linked or Autosomal recessive.
Severe combined immunodeficiency, autosomal recessive, T cell-negative, B cell-negative, NK cell-positive. Also called: SCID, T CELL-NEGATIVE, B CELL-NEGATIVE, NK CELL-POSITIVE; Severe combined immunodeficiency due to complete RAG1/2 deficiency; SCID, AR, T-cell negative, B-cell negative, NK cell-positive. Identifiers: Orphanet 331206, MedGen C1832322, MONDO:0011086, OMIM 601457.
Combined immunodeficiency with skin granulomas. Identifiers: Orphanet 157949, MedGen C2673536, MONDO:0009306, OMIM 233650.
Histiocytic medullary reticulosis. Also called: SEVERE COMBINED IMMUNODEFICIENCY WITH HYPEREOSINOPHILIA; Omenn syndrome. Identifiers: Orphanet 39041, MedGen C2700553, MONDO:0011338, OMIM 603554.

Allele frequency attached by ClinVar (database versions not stated): TOPMed below 0.00001; gnomAD exomes 0.00001.

Submissions (3):

Women's Health and Genetics/Laboratory Corporation of America, LabCorp
Classification: Likely pathogenic for Severe combined immunodeficiency disease. Last evaluated: 2025-07-31. Review status: criteria provided, single submitter. Criteria: LabCorp Variant Classification Summary - May 2015. Collection method: clinical testing. Allele origin: germline.
Comment: Variant summary: RAG2 c.419A>G (p.His140Arg) results in a non-conservative amino acid change in the encoded protein sequence. Algorithms developed to predict the effect of missense changes on protein structure and function all suggest that this variant is likely to be disruptive. The variant was absent in 251278 control chromosomes. c.419A>G has been reported in individuals affected with Severe Combined Immunodeficiency (Tanita_2022, Wakamatsu_2022, internal data). These data indicate that the variant is likely to be associated with disease. To our knowledge, no experimental evidence demonstrating an impact on protein function has been reported. The following publications have been ascertained in the context of this evaluation (PMID: 35281013, 35902420). ClinVar contains an entry for this variant (Variation ID: 843920). Based on the evidence outlined above, the variant was classified as likely pathogenic.

Labcorp Genetics (formerly Invitae), Labcorp
Classification: Likely pathogenic for Combined immunodeficiency with skin granulomas; Severe combined immunodeficiency, autosomal recessive, T cell-negative, B cell-negative, NK cell-positive. Last evaluated: 2025-02-04. Review status: criteria provided, single submitter. Criteria: Invitae Variant Classification Sherloc (09022015). Collection method: clinical testing. Allele origin: germline.
Comment: This sequence change replaces histidine, which is basic and polar, with arginine, which is basic and polar, at codon 140 of the RAG2 protein (p.His140Arg). This variant is not present in population databases (gnomAD no frequency). This missense change has been observed in individual(s) with clinical features of severe combined immunodeficiency (PMID: 35281013; internal data). ClinVar contains an entry for this variant (Variation ID: 843920). Invitae Evidence Modeling of protein sequence and biophysical properties (such as structural, functional, and spatial information, amino acid conservation, physicochemical variation, residue mobility, and thermodynamic stability) indicates that this missense variant is expected to disrupt RAG2 protein function with a positive predictive value of 95%. In summary, the currently available evidence indicates that the variant is pathogenic, but additional data are needed to prove that conclusively. Therefore, this variant has been classified as Likely Pathogenic.

Natera, Inc.
Classification: Uncertain significance for Omenn syndrome. Last evaluated: 2021-08-05. Review status: no assertion criteria provided. Collection method: clinical testing. Allele origin: germline. Not counted in ClinVar's aggregate classification.

Literature cited by the submitters: PubMed 35281013 (cited by Women's Health and Genetics/Laboratory Corporation of America, LabCorp and Labcorp Genetics (formerly Invitae), Labcorp); PubMed 35902420 (cited by Women's Health and Genetics/Laboratory Corporation of America, LabCorp).